The following is an entry in ClinVar:

NM_019098.5(CNGB3):c.1304C>T (p.Ser435Phe)

Gene: CNGB3 (cyclic nucleotide gated channel subunit beta 3; minus strand). Cytogenetic location: 8q21.3.
Variant type: single nucleotide variant.
Coding change: c.1304C>T on transcript NM_019098.5 (MANE Select); coding-DNA position 1304, C replaced by T.
Protein change: p.Ser435Phe; replaces serine 435 with phenylalanine.
Molecular consequence: missense variant.
Genome position (GRCh38, 1-based): chr8:86,632,768, G>A on the plus strand (C>T on the coding strand, the complement: CNGB3 is on the minus strand). VCF-style: chr8-86632768-G-A. GRCh37 (hg19) VCF-style: chr8-87644996-G-A.
Other names: short protein forms S435F.
Identifiers: ClinVar variation 5222 (VCV000005222.15), dbSNP rs121918344, ClinGen allele CA340371.
Genomic context (GRCh38, chr8:86,632,768, plus strand): 5'-CAAAATGACAGCACTGTGTATCCAGTGATTCATACTCAGCTTACCTGACCAATTAAACTG[G>A]AGAACACAAAAACTCCAGAAAAAAAATTCAAGAGTTGAAAAACAATTTCAAATAAAGTTT-3'
Protein context (NP_061971.3, residues 425-445): LNFFSGVFVF[Ser435Phe]SLIGQMRDVI

ClinVar aggregate classification (germline): Pathogenic. Review status: criteria provided, multiple submitters, no conflicts (2 of 4 stars). 5 submissions from 5 submitters: Pathogenic (2). 3 of the submissions do not count toward it. Last evaluated 2025-11-21.

Conditions:
CNGB3-related disorder. Also called: CNGB3-related condition; CNGB3-related disorders. Identifiers: MedGen CN239340.
Achromatopsia 3 (ACHM3). Also called: PINGELAPESE BLINDNESS; TOTAL COLORBLINDNESS WITH MYOPIA; ROD MONOCHROMACY 1; ROD MONOCHROMATISM 1; ACHROMATOPSIA WITH MYOPIA. Identifiers: Orphanet 49382, MedGen C1849792, MONDO:0009875, OMIM 262300.

Allele frequency attached by ClinVar (database versions not stated): gnomAD exomes below 0.00001.
gnomAD v4.1: 3 of 1,613,040 alleles (0.00019%); highest among the groups gnomAD compares: Non-Finnish European, 0.00025%; no homozygotes.

Submissions (5):

PreventionGenetics, part of Exact Sciences
Classification: Pathogenic for CNGB3-related condition. Last evaluated: 2025-11-21. Review status: criteria provided, single submitter. Criteria: ACMG Guidelines, 2015. Collection method: clinical testing. Allele origin: germline.
Comment: The CNGB3 c.1304C>T variant is predicted to result in the amino acid substitution p.Ser435Phe. This variant has been reported, most commonly in the homozygous state, in several individuals with achromatopsia and is considered a founder mutation in the Pingelapese islanders (Sundin et al. 2000. PubMed ID: 10888875; Kohl et al. 2000. PubMed ID: 10958649; Kohl et al. 2005. PubMed ID: 15657609). Functional studies support the pathogenicity of this variant (Peng et al. 2003. PubMed ID: 12815043). This variant is absent in a large population database (gnomAD), indicating this variant is rare. This variant is interpreted as pathogenic.

Labcorp Genetics (formerly Invitae), Labcorp
Classification: Pathogenic. Last evaluated: 2024-03-07. Review status: criteria provided, single submitter. Criteria: Invitae Variant Classification Sherloc (09022015). Collection method: clinical testing. Allele origin: germline.
Comment: This sequence change replaces serine, which is neutral and polar, with phenylalanine, which is neutral and non-polar, at codon 435 of the CNGB3 protein (p.Ser435Phe). This variant is not present in population databases (gnomAD no frequency). This missense change has been observed in individuals with achromatopsia (PMID: 10888875, 10958649, 15657609). It has also been observed to segregate with disease in related individuals. This variant is also known as Ser322Phe. ClinVar contains an entry for this variant (Variation ID: 5222). Advanced modeling of protein sequence and biophysical properties (such as structural, functional, and spatial information, amino acid conservation, physicochemical variation, residue mobility, and thermodynamic stability) performed at Invitae indicates that this missense variant is expected to disrupt CNGB3 protein function with a positive predictive value of 80%. Experimental studies have shown that this missense change affects CNGB3 function (PMID: 12815043, 15223812). For these reasons, this variant has been classified as Pathogenic.

Molecular Genetics Laboratory, Institute for Ophthalmic Research
Classification: Pathogenic for ACHM3. Last evaluated: 2017-03-27. Review status: no assertion criteria provided. Collection method: research. Allele origin: germline. Affected: yes. Not counted in ClinVar's aggregate classification.

OMIM
Classification: Pathogenic for ACHROMATOPSIA 3. Last evaluated: 2000-09-01. Review status: no assertion criteria provided. Collection method: literature only. Allele origin: germline. Not counted in ClinVar's aggregate classification.

GeneReviews
No classification provided. Condition: Achromatopsia 3. Review status: no classification provided. Collection method: literature only. Allele origin: germline. Not counted in ClinVar's aggregate classification.

Literature cited by the submitters: PubMed 10888875 (cited by 3 submitters); PubMed 10958649 (cited by 3 submitters); PubMed 15657609 (cited by Labcorp Genetics (formerly Invitae), Labcorp); PubMed 12815043 (cited by Labcorp Genetics (formerly Invitae), Labcorp); PubMed 15223812 (cited by Labcorp Genetics (formerly Invitae), Labcorp); PubMed 28795510 (cited by Molecular Genetics Laboratory, Institute for Ophthalmic Research).